The following is an entry in ClinVar:

ClinVar aggregate classification (germline): Uncertain significance (1 of 4 stars; one submission).

Conditions:
MHC class II deficiency. Also called: Bare lymphocyte syndrome 2; BLS, TYPE II. Identifiers: Orphanet 572, MedGen C5447452, MONDO:0008855.

Allele frequency attached by ClinVar (database versions not stated): TOPMed below 0.00001; gnomAD 0.00001; gnomAD exomes below 0.00001.
gnomAD v4.1: 2 of 1,597,432 alleles (0.00013%); highest among the groups gnomAD compares: African/African-American, 0.0027%; no homozygotes.

Submission:

Labcorp Genetics (formerly Invitae), Labcorp
Classification: Uncertain significance for MHC class II deficiency. Last evaluated: 2022-07-01. Review status: criteria provided, single submitter. Criteria: Invitae Variant Classification Sherloc (09022015). Collection method: clinical testing. Allele origin: germline.
Comment: This sequence change replaces glycine, which is neutral and non-polar, with glutamic acid, which is acidic and polar, at codon 799 of the CIITA protein (p.Gly799Glu). In summary, the available evidence is currently insufficient to determine the role of this variant in disease. Therefore, it has been classified as a Variant of Uncertain Significance. Algorithms developed to predict the effect of missense changes on protein structure and function (SIFT, PolyPhen-2, Align-GVGD) all suggest that this variant is likely to be tolerated. This variant has not been reported in the literature in individuals affected with CIITA-related conditions. This variant is not present in population databases (gnomAD no frequency).

NM_000246.4(CIITA):c.2396G>A (p.Gly799Glu)

Gene: CIITA (class II major histocompatibility complex transactivator; plus strand). Cytogenetic location: 16p13.13.
Variant type: single nucleotide variant.
Coding change: c.2396G>A on transcript NM_000246.4 (MANE Select); coding-DNA position 2396, G replaced by A.
Protein change: p.Gly799Glu; replaces glycine 799 with glutamic acid.
Molecular consequence: missense variant. On other transcripts: intron variant (1).
Genome position (GRCh38, 1-based): chr16:10,907,888, G>A. VCF-style: chr16-10907888-G-A. GRCh37 (hg19) VCF-style: chr16-11001745-G-A.
Other names: c.2399G>A, p.Gly800Glu (NM_001286402.1, NM_001379332.1); c.2252G>A, p.Gly751Glu (NM_001379330.1); c.2249G>A, p.Gly750Glu (NM_001379331.1); c.2396G>A, p.Gly799Glu (NM_001379333.1); c.2327G>A, p.Gly776Glu (NM_001379334.1); c.860-1095G>A (NM_001286403.2); short protein forms G799E, G800E, G750E, G751E, G776E.
Identifiers: ClinVar variation 2100684 (VCV002100684.4), dbSNP rs267604408, ClinGen allele CA277747937.